The following is an entry in ClinVar:

NM_017433.5(MYO3A):c.1370_1371del (p.Arg457fs)

Gene: MYO3A (myosin IIIA; plus strand). Cytogenetic location: 10p12.1.
Variant type: Deletion.
Coding change: c.1370_1371del on transcript NM_017433.5 (MANE Select); coding-DNA positions 1370 to 1371, 2 bases deleted (GA; older notation c.1370_1371delGA).
Protein change: p.Arg457fs; shifts the reading frame from arginine 457.
Molecular consequence: frameshift variant.
Genome position (GRCh38, 1-based): chr10:26,088,213-26,088,214, GA deleted; deleting any 2 consecutive bases within chr10:26,088,212-26,088,214 gives the same sequence; the c. name uses the placement nearest the transcript's 3' end. VCF-style (leftmost placement, unchanged base first): chr10-26088211-CAG-C. GRCh37 (hg19) VCF-style: chr10-26377140-CAG-C.
Other names: c.1370_1371del (NM_017433.4); short protein forms R457fs.
Identifiers: ClinVar variation 655296 (VCV000655296.45), dbSNP rs760866131, ClinGen allele CA5444658.

ClinVar aggregate classification (germline): Pathogenic. Review status: criteria provided, multiple submitters, no conflicts (2 of 4 stars). 7 submissions from 7 submitters: Pathogenic (6). 1 of the submissions does not count toward it. Last evaluated 2024-06-11.

Conditions:
Sensorineural hearing loss disorder. Also called: Sensorineural hearing impairment; Sensorineural Deafness; Sensorineural hearing loss. Identifiers: MedGen C0018784, MeSH D006319, MONDO:0020678, HP:0000407.
Autosomal recessive nonsyndromic hearing loss 30. Identifiers: Orphanet 90636, MedGen C1846784, MONDO:0011774, OMIM 607101.
MYO3A-related disorder. Also called: MYO3A-related condition.

Submissions (7):

GeneDx
Classification: Pathogenic. Last evaluated: 2024-06-11. Review status: criteria provided, single submitter. Criteria: GeneDx Variant Classification Process June 2021. Collection method: clinical testing. Allele origin: germline. Affected: yes.
Comment: Frameshift variant predicted to result in protein truncation or nonsense mediated decay in a gene for which loss of function is a known mechanism of disease; Not observed at significant frequency in large population cohorts (gnomAD); This variant is associated with the following publications: (PMID: 32006683, 32747562, 33713422)

Blueprint Genetics
Classification: Pathogenic for MYO3A-related disorders. Last evaluated: 2022-11-03. Review status: criteria provided, single submitter. Criteria: ACMG Guidelines, 2015. Collection method: clinical testing. Allele origin: germline. Affected: yes. Observed: 2 variant alleles.

CeGaT Center for Human Genetics Tuebingen
Classification: Pathogenic. Last evaluated: 2021-05-01. Review status: criteria provided, single submitter. Criteria: CeGaT Center For Human Genetics Tuebingen Variant Classification Criteria Version 2. Collection method: clinical testing. Allele origin: germline. Affected: yes. Observed: 3 variant alleles.

Genetics Research Center, University of Social Welfare and Rehabilitation Sciences
Classification: Pathogenic for Sensorineural hearing loss disorder. Last evaluated: 2020-09-30. Review status: criteria provided, single submitter. Criteria: ACMG Guidelines, 2015. Collection method: clinical testing. Allele origin: germline. Affected: yes.

King Laboratory, University of Washington
Classification: Pathogenic for Autosomal recessive nonsyndromic hearing loss 30. Last evaluated: 2020-08-01. Review status: criteria provided, single submitter. Criteria: Abu Rayyan A et al. (Proc Natl Acad Sci U S A 2020). Collection method: research. Allele origin: germline. Affected: yes.
Comment: MYO3A c.1370_1371del, p.R457fs leads to a stop at codon 482. It is absent from 1300 Palestinian controls and from gnomAD v2.1.1.

Labcorp Genetics (formerly Invitae), Labcorp
Classification: Pathogenic. Last evaluated: 2018-11-08. Review status: criteria provided, single submitter. Criteria: Invitae Variant Classification Sherloc (09022015). Collection method: clinical testing. Allele origin: germline.
Comment: This sequence change creates a premature translational stop signal (p.Arg457Asnfs*25) in the MYO3A gene. It is expected to result in an absent or disrupted protein product. This variant is present in population databases (rs760866131, ExAC 0.003%). This variant has not been reported in the literature in individuals with MYO3A-related disease. Loss-of-function variants in MYO3A are known to be pathogenic (PMID: 12032315, 23990876). For these reasons, this variant has been classified as Pathogenic.

Centre for Arab Genomic Studies, Sheikh Hamdan Award for Medical Sciences
Classification: Pathogenic for Bilateral sensorineural deafness. Last evaluated: 2019-07-08. Review status: no assertion criteria provided. Collection method: clinical testing. Allele origin: inherited. Inheritance: Autosomal recessive inheritance. Affected: yes. Observed: 3 variant alleles, 2 heterozygotes, 1 homozygote. Clinical features observed: Bilateral sensorineural hearing impairment. Not counted in ClinVar's aggregate classification.

Literature cited by the submitters: PubMed 12032315 (cited by Labcorp Genetics (formerly Invitae), Labcorp); PubMed 23990876 (cited by Labcorp Genetics (formerly Invitae), Labcorp); PubMed 32006683 (cited by Centre for Arab Genomic Studies, Sheikh Hamdan Award for Medical Sciences).